The following is an entry in ClinVar:

NM_000426.4(LAMA2):c.6485T>C (p.Ile2162Thr)

Gene: LAMA2 (laminin subunit alpha 2; plus strand). Cytogenetic location: 6q22.33.
Variant type: single nucleotide variant.
Coding change: c.6485T>C on transcript NM_000426.4 (MANE Select); coding-DNA position 6485, T replaced by C.
Protein change: p.Ile2162Thr; replaces isoleucine 2162 with threonine.
Molecular consequence: missense variant.
Genome position (GRCh38, 1-based): chr6:129,453,043, T>C. VCF-style: chr6-129453043-T-C. GRCh37 (hg19) VCF-style: chr6-129774188-T-C.
Other names: c.6485T>C, p.Ile2162Thr (NM_001079823.2); short protein forms I2162T.
Identifiers: ClinVar variation 1023329 (VCV001023329.2), dbSNP rs1583787006, ClinGen allele CA365616533.

ClinVar aggregate classification (germline): Uncertain significance (1 of 4 stars; one submission).

Conditions:
LAMA2-related muscular dystrophy (LAMA2-RD). Also called: Laminin alpha 2-related dystrophy. Identifiers: MedGen C5679788, MONDO:0100228.

Allele frequency attached by ClinVar (database versions not stated): gnomAD exomes below 0.00001; TOPMed 0.00002.
gnomAD v4.1: 1 of 1,612,742 alleles (0.000062%); highest among the groups gnomAD compares: Non-Finnish European, 0.000085%; no homozygotes.

Submission:

Labcorp Genetics (formerly Invitae), Labcorp
Classification: Uncertain significance for LAMA2-related muscular dystrophy. Last evaluated: 2022-05-12. Review status: criteria provided, single submitter. Criteria: Invitae Variant Classification Sherloc (09022015). Collection method: clinical testing. Allele origin: germline.
Comment: This sequence change replaces isoleucine, which is neutral and non-polar, with threonine, which is neutral and polar, at codon 2162 of the LAMA2 protein (p.Ile2162Thr). This variant is not present in population databases (gnomAD no frequency). This variant has not been reported in the literature in individuals affected with LAMA2-related conditions. ClinVar contains an entry for this variant (Variation ID: 1023329). Advanced modeling of protein sequence and biophysical properties (such as structural, functional, and spatial information, amino acid conservation, physicochemical variation, residue mobility, and thermodynamic stability) performed at Invitae indicates that this missense variant is not expected to disrupt LAMA2 protein function. In summary, the available evidence is currently insufficient to determine the role of this variant in disease. Therefore, it has been classified as a Variant of Uncertain Significance.